The following is an entry in ClinVar:

NM_025137.4(SPG11):c.6631C>T (p.Arg2211Cys)

Gene: SPG11 (SPG11 vesicle trafficking associated, spatacsin; minus strand). Cytogenetic location: 15q21.1.
Variant type: single nucleotide variant.
Coding change: c.6631C>T on transcript NM_025137.4 (MANE Select); coding-DNA position 6631, C replaced by T.
Protein change: p.Arg2211Cys; replaces arginine 2211 with cysteine.
Molecular consequence: missense variant.
Genome position (GRCh38, 1-based): chr15:44,567,547, G>A on the plus strand (C>T on the coding strand, the complement: SPG11 is on the minus strand). VCF-style: chr15-44567547-G-A. GRCh37 (hg19) VCF-style: chr15-44859745-G-A.
Other names: c.6631C>T (NM_025137.3); c.6292C>T, p.Arg2098Cys (NM_001160227.2); short protein forms R2098C, R2211C.
Identifiers: ClinVar variation 1004500 (VCV001004500.9), dbSNP rs148260507, ClinGen allele CA7534057.

ClinVar aggregate classification (germline): Uncertain significance. Review status: criteria provided, multiple submitters, no conflicts (2 of 4 stars). 4 submissions from 4 submitters: Uncertain significance (3). 1 of the submissions does not count toward it. Last evaluated 2024-01-13.

Conditions:
SPG11-related disorder. Also called: SPG11-related condition.
Hereditary spastic paraplegia 11. Also called: Spastic Paraplegia 11; Nakamura Osame syndrome; Autosomal recessive hereditary spastic paraplegia, mental impairment, and thin corpus callosum; Spastic paraplegia, mental retardation and thin corpus callosum; SPASTIC PARAPLEGIA, AUTOSOMAL RECESSIVE, COMPLICATED, WITH THIN CORPUS CALLOSUM; SPASTIC PARAPLEGIA, AUTOSOMAL RECESSIVE, WITH MENTAL IMPAIRMENT AND THIN CORPUS CALLOSUM. Identifiers: Orphanet 2822, MedGen C1858479, MONDO:0011445, OMIM 604360.

Allele frequency attached by ClinVar (database versions not stated): gnomAD 0.00001; TOPMed 0.00001; ExAC 0.00002; gnomAD exomes 0.00002; ESP Exome Variant Server 0.00008.
gnomAD v4.1: 40 of 1,613,824 alleles (0.0025%); highest among the groups gnomAD compares: East Asian, 0.0045%; no homozygotes.

Submissions (4):

GeneDx
Classification: Uncertain significance. Last evaluated: 2024-01-13. Review status: criteria provided, single submitter. Criteria: GeneDx Variant Classification Process June 2021. Collection method: clinical testing. Allele origin: germline. Affected: yes.
Comment: Not observed at significant frequency in large population cohorts (gnomAD); In silico analysis supports that this missense variant does not alter protein structure/function; Has not been previously published as pathogenic or benign to our knowledge

Blueprint Genetics
Classification: Uncertain significance. Last evaluated: 2023-11-21. Review status: criteria provided, single submitter. Criteria: ACMG Guidelines, 2015. Collection method: clinical testing. Allele origin: germline.

Labcorp Genetics (formerly Invitae), Labcorp
Classification: Uncertain significance for Hereditary spastic paraplegia 11. Last evaluated: 2022-09-14. Review status: criteria provided, single submitter. Criteria: Invitae Variant Classification Sherloc (09022015). Collection method: clinical testing. Allele origin: germline.
Comment: This sequence change replaces arginine, which is basic and polar, with cysteine, which is neutral and slightly polar, at codon 2211 of the SPG11 protein (p.Arg2211Cys). This variant is present in population databases (rs148260507, gnomAD 0.01%). This variant has not been reported in the literature in individuals affected with SPG11-related conditions. ClinVar contains an entry for this variant (Variation ID: 1004500). Advanced modeling of protein sequence and biophysical properties (such as structural, functional, and spatial information, amino acid conservation, physicochemical variation, residue mobility, and thermodynamic stability) performed at Invitae indicates that this missense variant is not expected to disrupt SPG11 protein function. In summary, the available evidence is currently insufficient to determine the role of this variant in disease. Therefore, it has been classified as a Variant of Uncertain Significance.

PreventionGenetics, part of Exact Sciences
Classification: Uncertain significance for SPG11-related condition. Last evaluated: 2024-06-08. Review status: no assertion criteria provided. Collection method: clinical testing. Allele origin: germline. Not counted in ClinVar's aggregate classification.
Comment: The SPG11 c.6631C>T variant is predicted to result in the amino acid substitution p.Arg2211Cys. To our knowledge, this variant has not been reported in the literature. This variant is reported in 0.011% of alleles in individuals of East Asian descent in gnomAD. At this time, the clinical significance of this variant is uncertain due to the absence of conclusive functional and genetic evidence.